The following is an entry in ClinVar:

NC_000023.11:g.(?_22212904)_(22212958_?)del

Gene: PHEX (phosphate regulating endopeptidase X-linked; plus strand). Cytogenetic location: Xp22.11.
Variant type: Deletion.
Identifiers: ClinVar variation 831228 (VCV000831228.1).

ClinVar aggregate classification (germline): Pathogenic (1 of 4 stars; one submission).

Submission:

Labcorp Genetics (formerly Invitae), Labcorp
Classification: Pathogenic. Last evaluated: 2019-04-02. Review status: criteria provided, single submitter. Criteria: Invitae Variant Classification Sherloc (09022015). Collection method: clinical testing. Allele origin: germline.
Comment: This variant is an out-of-frame deletion of the genomic region encompassing exon 16 of the PHEX gene. This is expected to create a premature translational stop signal and result in an absent or disrupted protein product. This variant has been observed in an individual affected with X-linked hypophosphatemia (PMID: 29460029). Loss-of-function variants in PHEX are known to be pathogenic (PMID: 9097956, 9106524, 19219621). For these reasons, this variant has been classified as Pathogenic.

Literature cited by the submitters: PubMed 29460029.